The following is an entry in ClinVar:

NM_001903.5(CTNNA1):c.37T>A (p.Trp13Arg)

Gene: CTNNA1 (catenin alpha 1; plus strand). Cytogenetic location: 5q31.2.
Variant type: single nucleotide variant.
Coding change: c.37T>A on transcript NM_001903.5 (MANE Select); coding-DNA position 37, T replaced by A.
Protein change: p.Trp13Arg; replaces tryptophan 13 with arginine.
Molecular consequence: missense variant. On other transcripts: 5 prime UTR variant (2).
Genome position (GRCh38, 1-based): chr5:138,781,961, T>A. VCF-style: chr5-138781961-T-A. GRCh37 (hg19) VCF-style: chr5-138117650-T-A.
Other names: c.37T>A, p.Trp13Arg (NM_001290307.3, NM_001323982.2, NM_001323983.1 and 3 more transcripts); c.-77T>A (NM_001290309.3); c.-170T>A (NM_001290310.3); short protein forms W13R.
Identifiers: ClinVar variation 1357721 (VCV001357721.8), dbSNP rs1755159708, ClinGen allele CA361477098.

ClinVar aggregate classification (germline): Uncertain significance (1 of 4 stars; one submission).

Submission:

Labcorp Genetics (formerly Invitae), Labcorp
Classification: Uncertain significance. Last evaluated: 2020-12-20. Review status: criteria provided, single submitter. Criteria: Invitae Variant Classification Sherloc (09022015). Collection method: clinical testing. Allele origin: germline.
Comment: In summary, the available evidence is currently insufficient to determine the role of this variant in disease. Therefore, it has been classified as a Variant of Uncertain Significance. Algorithms developed to predict the effect of missense changes on protein structure and function are either unavailable or do not agree on the potential impact of this missense change (SIFT: "Deleterious"; PolyPhen-2: "Probably Damaging"; Align-GVGD: "Class C0"). This variant has not been reported in the literature in individuals with CTNNA1-related conditions. This variant is not present in population databases (ExAC no frequency). This sequence change replaces tryptophan with arginine at codon 13 of the CTNNA1 protein (p.Trp13Arg). The tryptophan residue is highly conserved and there is a moderate physicochemical difference between tryptophan and arginine.